The following is an entry in ClinVar:

ClinVar aggregate classification (germline): Likely benign. Review status: criteria provided, multiple submitters, no conflicts (2 of 4 stars). 4 submissions from 4 submitters: Likely benign (4). Last evaluated 2026-01-09.

Conditions:
TTN-related disorder. Also called: TTN-related disorders; TTN-related condition; TTN-related disease.
Cardiovascular phenotype. Identifiers: MedGen CN230736.
Autosomal recessive limb-girdle muscular dystrophy type 2J (LGMDR10). Also called: Limb-girdle muscular dystrophy, type 2J; MUSCULAR DYSTROPHY, LIMB-GIRDLE, AUTOSOMAL RECESSIVE 10. Identifiers: Orphanet 140922, MedGen C1837342, MONDO:0012127, OMIM 608807.
Dilated cardiomyopathy 1G (CMD1G). Identifiers: Orphanet 154, MedGen C1858763, MONDO:0011400, OMIM 604145.

Allele frequency attached by ClinVar (database versions not stated): gnomAD 0.00003.
gnomAD v4.1: 46 of 1,613,106 alleles (0.0029%); highest among the groups gnomAD compares: Non-Finnish European, 0.0037%; no homozygotes.

Submissions (4):

Labcorp Genetics (formerly Invitae), Labcorp
Classification: Likely benign for Dilated cardiomyopathy 1G; Autosomal recessive limb-girdle muscular dystrophy type 2J. Last evaluated: 2026-01-09. Review status: criteria provided, single submitter. Criteria: Invitae Variant Classification Sherloc (09022015). Collection method: clinical testing. Allele origin: germline.

PreventionGenetics, part of Exact Sciences
Classification: Likely benign for TTN-related condition. Last evaluated: 2025-06-20. Review status: criteria provided, single submitter. Criteria: ACMG Guidelines, 2015. Collection method: clinical testing. Allele origin: germline.
Comment: This variant is classified as likely benign based on ACMG/AMP sequence variant interpretation guidelines (Richards et al. 2015 PMID: 25741868, with internal and published modifications).

Ambry Genetics
Classification: Likely benign for Cardiovascular phenotype. Last evaluated: 2019-09-14. Review status: criteria provided, single submitter. Criteria: Ambry Variant Classification Scheme 2023. Collection method: clinical testing. Allele origin: germline.

GeneDx
Classification: Likely benign. Last evaluated: 2016-06-08. Review status: criteria provided, single submitter. Criteria: GeneDx Variant Classification (06012015). Collection method: clinical testing. Allele origin: germline. Affected: yes.
Comment: This variant is considered likely benign or benign based on one or more of the following criteria: it is a conservative change, it occurs at a poorly conserved position in the protein, it is predicted to be benign by multiple in silico algorithms, and/or has population frequency not consistent with disease.

NM_001267550.2(TTN):c.5295C>T (p.Gly1765=)

Gene: TTN (titin; minus strand). Cytogenetic location: 2q31.2.
Variant type: single nucleotide variant.
Coding change: c.5295C>T on transcript NM_001267550.2 (MANE Select); coding-DNA position 5295, C replaced by T.
Protein change: p.Gly1765=; no amino-acid change (glycine 1765 retained).
Molecular consequence: synonymous variant.
Genome position (GRCh38, 1-based): chr2:178,776,569, G>A on the plus strand (C>T on the coding strand, the complement: TTN is on the minus strand). VCF-style: chr2-178776569-G-A. GRCh37 (hg19) VCF-style: chr2-179641296-G-A.
Other names: c.5295C>T, p.Gly1765= (NM_001256850.1, NM_133378.4, NM_133379.5); c.5157C>T, p.Gly1719= (NM_003319.4, NM_133432.3, NM_133437.4).
Identifiers: ClinVar variation 378800 (VCV000378800.13), dbSNP rs145999395, ClinGen allele CA2005202.